The following is an entry in ClinVar:

NM_004985.5(KRAS):c.194G>C (p.Ser65Thr)

Gene: KRAS (KRAS proto-oncogene, GTPase; minus strand). Cytogenetic location: 12p12.1.
Variant type: single nucleotide variant.
Coding change: c.194G>C on transcript NM_004985.5 (MANE Select); coding-DNA position 194, G replaced by C.
Protein change: p.Ser65Thr; replaces serine 65 with threonine.
Molecular consequence: missense variant.
Genome position (GRCh38, 1-based): chr12:25,227,330, C>G on the plus strand (G>C on the coding strand, the complement: KRAS is on the minus strand). VCF-style: chr12-25227330-C-G. GRCh37 (hg19) VCF-style: chr12-25380264-C-G.
Other names: c.194G>C, p.Ser65Thr (NM_001369786.1, NM_001369787.1, NM_033360.4); short protein forms S65T.
Identifiers: ClinVar variation 4614430 (VCV004614430.1).

ClinVar aggregate classification (germline): Uncertain significance (1 of 4 stars; one submission).

Conditions:
Cardiovascular phenotype. Identifiers: MedGen CN230736.

Submission:

Ambry Genetics
Classification: Uncertain significance for Cardiovascular phenotype. Last evaluated: 2025-10-06. Review status: criteria provided, single submitter. Criteria: Ambry Variant Classification Scheme 2023. Collection method: clinical testing. Allele origin: germline.
Comment: The c.194G>C (p.S65T) alteration is located in exon 3 (coding exon 2) of the KRAS gene. This alteration results from a G to C substitution at nucleotide position 194, causing the serine (S) at amino acid position 65 to be replaced by a threonine (T). This variant was not reported in population-based cohorts in the Genome Aggregation Database (gnomAD). Other variant(s) at the same codon, c.194G>T (p.S65I), have been identified in individual(s) with features consistent with KRAS-related RASopathy (Parsons, 2016). Requires manual reference: Parsons DW, et al. (2016) JAMA Oncol. 2(5):616-24. PMID:26822237 This amino acid position is highly conserved in available vertebrate species. This missense alteration is located in a region that has a low rate of benign missense variation (Lek, 2016; Firth, 2009). This alteration is predicted to be tolerated by in silico analysis. Based on insufficient or conflicting evidence, the clinical significance of this alteration remains unclear.